The following is an entry in ClinVar:

ClinVar aggregate classification (germline): Uncertain significance (1 of 4 stars; one submission).

Conditions:
Inborn genetic diseases. Identifiers: MedGen C0950123, MeSH D030342.

gnomAD v4.1: 1 of 1,612,002 alleles (0.000062%); highest among the groups gnomAD compares: Non-Finnish European, 0.000085%; no homozygotes.

Submission:

Ambry Genetics
Classification: Uncertain significance for Inborn genetic diseases. Last evaluated: 2025-09-26. Review status: criteria provided, single submitter. Criteria: Ambry Variant Classification Scheme 2023. Collection method: clinical testing. Allele origin: germline.
Comment: The c.1253A>G (p.N418S) alteration is located in exon 13 (coding exon 13) of the KIF2A gene. This alteration results from a A to G substitution at nucleotide position 1253, causing the asparagine (N) at amino acid position 418 to be replaced by a serine (S). Based on data from gnomAD, the G allele has an overall frequency of <0.001% (1/248628) total alleles studied. The highest observed frequency was 0.001% (1/112662) of European (non-Finnish) alleles. Based on insufficient or conflicting evidence, the clinical significance of this alteration remains unclear.

NM_001098511.3(KIF2A):c.1253A>G (p.Asn418Ser)

Gene: KIF2A (kinesin family member 2A; plus strand). Cytogenetic location: 5q12.1.
Variant type: single nucleotide variant.
Coding change: c.1253A>G on transcript NM_001098511.3 (MANE Select); coding-DNA position 1253, A replaced by G.
Protein change: p.Asn418Ser; replaces asparagine 418 with serine.
Molecular consequence: missense variant.
Genome position (GRCh38, 1-based): chr5:62,363,311, A>G. VCF-style: chr5-62363311-A-G. GRCh37 (hg19) VCF-style: chr5-61659138-A-G.
Other names: c.1172A>G, p.Asn391Ser (NM_001243952.2); c.1196A>G, p.Asn399Ser (NM_001243953.2); c.1253A>G, p.Asn418Ser (NM_004520.5); short protein forms N399S, N391S, N418S.
Identifiers: ClinVar variation 4622984 (VCV004622984.1).